The following is an entry in ClinVar:

ClinVar aggregate classification (germline): Uncertain significance. Review status: criteria provided, multiple submitters, no conflicts (2 of 4 stars). 2 submissions from 2 submitters: Uncertain significance (2). Last evaluated 2025-07-24.

Conditions:
Medulloblastoma (MDB). Also called: MEDULLOBLASTOMA PREDISPOSITION SYNDROME; Medulloblastoma, somatic. Identifiers: Orphanet 616, MedGen C0025149, MeSH D008527, MONDO:0007959, OMIM 155255, HP:0002885.
Gorlin syndrome. Also called: Nevoid Basal Cell Carcinoma Syndrome; Basal cell nevus syndrome. Identifiers: Orphanet 377, MedGen C0004779, MONDO:0007187.
Hereditary cancer-predisposing syndrome. Also called: Hereditary neoplastic syndrome; Neoplastic Syndromes, Hereditary; Hereditary Cancer Syndrome; Tumor predisposition. Identifiers: Orphanet 140162, MedGen C0027672, MeSH D009386, MONDO:0015356.

Allele frequency attached by ClinVar (database versions not stated): gnomAD exomes below 0.00001; ExAC 0.00001.
gnomAD v4.1: 1 of 1,614,248 alleles (0.000062%); highest among the groups gnomAD compares: Non-Finnish European, 0.000085%; no homozygotes.

Submissions (2):

Ambry Genetics
Classification: Uncertain significance for Hereditary cancer-predisposing syndrome. Last evaluated: 2025-07-24. Review status: criteria provided, single submitter. Criteria: Ambry Variant Classification Scheme 2023. Collection method: clinical testing. Allele origin: germline.
Comment: The p.T401I variant (also known as c.1202C>T), located in coding exon 10 of the SUFU gene, results from a C to T substitution at nucleotide position 1202. The threonine at codon 401 is replaced by isoleucine, an amino acid with similar properties. This amino acid position is well conserved in available vertebrate species. In addition, this alteration is predicted to be tolerated by in silico analysis. Based on the available evidence, the clinical significance of this variant remains unclear.

Labcorp Genetics (formerly Invitae), Labcorp
Classification: Uncertain significance for Gorlin syndrome; Medulloblastoma. Last evaluated: 2024-05-09. Review status: criteria provided, single submitter. Criteria: Invitae Variant Classification Sherloc (09022015). Collection method: clinical testing. Allele origin: germline.
Comment: This sequence change replaces threonine, which is neutral and polar, with isoleucine, which is neutral and non-polar, at codon 401 of the SUFU protein (p.Thr401Ile). This variant is present in population databases (rs776868943, gnomAD 0.0009%). This variant has not been reported in the literature in individuals affected with SUFU-related conditions. ClinVar contains an entry for this variant (Variation ID: 1393025). Advanced modeling of protein sequence and biophysical properties (such as structural, functional, and spatial information, amino acid conservation, physicochemical variation, residue mobility, and thermodynamic stability) performed at Invitae indicates that this missense variant is not expected to disrupt SUFU protein function with a negative predictive value of 80%. In summary, the available evidence is currently insufficient to determine the role of this variant in disease. Therefore, it has been classified as a Variant of Uncertain Significance.

NM_016169.4(SUFU):c.1202C>T (p.Thr401Ile)

Gene: SUFU (SUFU negative regulator of hedgehog signaling; plus strand). Cytogenetic location: 10q24.32.
Variant type: single nucleotide variant.
Coding change: c.1202C>T on transcript NM_016169.4 (MANE Select); coding-DNA position 1202, C replaced by T.
Protein change: p.Thr401Ile; replaces threonine 401 with isoleucine.
Molecular consequence: missense variant.
Genome position (GRCh38, 1-based): chr10:102,617,334, C>T. VCF-style: chr10-102617334-C-T. GRCh37 (hg19) VCF-style: chr10-104377091-C-T.
Other names: c.1202C>T, p.Thr401Ile (NM_001178133.2); short protein forms T401I.
Identifiers: ClinVar variation 1393025 (VCV001393025.11), dbSNP rs776868943, ClinGen allele CA5667900.